The following is an entry in ClinVar:

NM_000404.4(GLB1):c.514CTC[1] (p.Leu173del)

Gene: GLB1 (galactosidase beta 1; minus strand). Cytogenetic location: 3p22.3.
Variant type: Microsatellite.
Coding change: c.514CTC[1] on transcript NM_000404.4 (MANE Select); one copy of the 3-base unit CTC starting at c.514; the reference has two copies in a row; one copy, 3 bases deleted.
Protein change: p.Leu173del; deletes leucine 173.
Molecular consequence: inframe deletion.
Genome position (GRCh38, 1-based): chr3:33,065,496-33,065,498, GAG deleted on the plus strand (CTC on the coding strand, the reverse complement: GLB1 is on the minus strand); deleting any 3 consecutive bases within chr3:33,065,496-33,065,501 gives the same sequence; the position shown is the placement nearest the transcript's 3' end. VCF-style (leftmost placement, unchanged base first): chr3-33065495-AGAG-A. GRCh37 (hg19) VCF-style: chr3-33106987-AGAG-A.
Other names: c.424CTC[1], p.Leu143del (NM_001079811.3); c.302CTC[1], p.Pro102del (NM_001135602.3); c.658CTC[1], p.Leu221del (NM_001317040.2); c.514CTC[1], p.Leu173del (NM_001393580.1); short protein forms L143del, L221del, P102del, L173del.
Identifiers: ClinVar variation 2941466 (VCV002941466.3), dbSNP rs764192020, ClinGen allele CA2299675.
Genomic context (GRCh38, chr3:33,065,495, plus strand): 5'-ATCCATCCATGCTCAACTCCAGGGTTACCTGCACTGTTATAACTGGCCCTCCATTCTGAT[AGAG>A]GAGAGGCTTCATCTTGGGCAGAAGGACTCCCAACCACTTGTCCACAGCTGCCAGGTAATC-3'

ClinVar aggregate classification (germline): Pathogenic (1 of 4 stars; one submission).

Conditions:
Mucopolysaccharidosis, MPS-IV-B (MPS4B). Also called: Mucopolysaccharidosis type 4B; Mucopolysaccharidosis type IVB (Morquio); MPS IVB; MORQUIO SYNDROME B; Mucopolysaccharidosis type IV B; Mucopolysaccharidosis Type IVB. Identifiers: Orphanet 309310, Orphanet 582, MedGen C0086652, MONDO:0009660, OMIM 253010.
GM1 gangliosidosis. Identifiers: Orphanet 354, MedGen C0085131, MONDO:0018149.

Submission:

Labcorp Genetics (formerly Invitae), Labcorp
Classification: Pathogenic for Mucopolysaccharidosis, MPS-IV-B; GM1 gangliosidosis. Last evaluated: 2023-09-19. Review status: criteria provided, single submitter. Criteria: Invitae Variant Classification Sherloc (09022015). Collection method: clinical testing. Allele origin: germline.
Comment: This variant, c.517_519del, results in the deletion of 1 amino acid(s) of the GLB1 protein (p.Leu173del), but otherwise preserves the integrity of the reading frame. This variant is not present in population databases (gnomAD no frequency). This variant has not been reported in the literature in individuals affected with GLB1-related conditions. This variant disrupts a region of the GLB1 protein in which other variant(s) (p.Leu173Pro) have been determined to be pathogenic (PMID: 26108645; Invitae). This suggests that this is a clinically significant region of the protein, and that variants that disrupt it are likely to be disease-causing. For these reasons, this variant has been classified as Pathogenic.

Literature cited by the submitters: PubMed 26108645.